The following is an entry in ClinVar:

NM_198904.4(GABRG2):c.1115A>G (p.Lys372Arg)

Gene: GABRG2 (gamma-aminobutyric acid type A receptor subunit gamma2; plus strand). Cytogenetic location: 5q34.
Variant type: single nucleotide variant.
Coding change: c.1115A>G on transcript NM_198904.4 (MANE Select); coding-DNA position 1115, A replaced by G.
Protein change: p.Lys372Arg; replaces lysine 372 with arginine.
Molecular consequence: missense variant. On other transcripts: intron variant (1).
Genome position (GRCh38, 1-based): chr5:162,149,300, A>G. VCF-style: chr5-162149300-A-G. GRCh37 (hg19) VCF-style: chr5-161576306-A-G.
Other names: c.1115A>G, p.Lys372Arg (NM_000816.3); c.1106A>G, p.Lys369Arg (NM_001375339.1); c.1112A>G, p.Lys371Arg (NM_001375341.1, NM_001375342.1); c.1235A>G, p.Lys412Arg (NM_001375343.1, NM_198903.2); c.1154A>G, p.Lys385Arg (NM_001375344.1); c.1049A>G, p.Lys350Arg (NM_001375345.1, NM_001375346.1); c.1028A>G, p.Lys343Arg (NM_001375347.1); c.695A>G, p.Lys232Arg (NM_001375348.1, NM_001375350.1); and 2 more; short protein forms K350R, K412R, K343R, K369R, K371R, K372R, K385R, K232R.
Identifiers: ClinVar variation 846301 (VCV000846301.10), dbSNP rs1765190002, ClinGen allele CA362182715.
Genomic context (GRCh38, chr5:162,149,300, plus strand): 5'-AGTATGGCACCTTGCATTATTTTGTCAGCAACCGGAAACCAAGCAAGGACAAAGATAAAA[A>G]GAAGAAAAACCCTGTATGTATCATTTTCCATTGGCACCATTGAAATTTTTATGATTTCGG-3'
Protein context (NP_944494.1, residues 362-382): NRKPSKDKDK[Lys372Arg]KKNPLLRMFS

ClinVar aggregate classification (germline): Uncertain significance (1 of 4 stars; one submission).

Conditions:
EPILEPSY, CHILDHOOD ABSENCE, SUSCEPTIBILITY TO, 2 (ECA2). Identifiers: Orphanet 64280, MedGen C1843244, OMIM 607681.
Febrile seizures, familial, 8 (FEB8). Also called: CONVULSIONS, FAMILIAL FEBRILE, 8. Identifiers: Orphanet 36387, MedGen C1969810, MONDO:0011891, OMIM 607681.

Submission:

Labcorp Genetics (formerly Invitae), Labcorp
Classification: Uncertain significance for Febrile seizures, familial, 8; EPILEPSY, CHILDHOOD ABSENCE, SUSCEPTIBILITY TO, 2. Last evaluated: 2019-03-21. Review status: criteria provided, single submitter. Criteria: Invitae Variant Classification Sherloc (09022015). Collection method: clinical testing. Allele origin: germline.
Comment: This variant is not present in population databases (ExAC no frequency). This sequence change replaces lysine with arginine at codon 372 of the GABRG2 protein (p.Lys372Arg). The lysine residue is highly conserved and there is a small physicochemical difference between lysine and arginine. This variant has not been reported in the literature in individuals with GABRG2-related conditions. In summary, the available evidence is currently insufficient to determine the role of this variant in disease. Therefore, it has been classified as a Variant of Uncertain Significance. Algorithms developed to predict the effect of missense changes on protein structure and function (SIFT, PolyPhen-2, Align-GVGD) all suggest that this variant is likely to be tolerated, but these predictions have not been confirmed by published functional studies and their clinical significance is uncertain.